The following is an entry in ClinVar:

ClinVar aggregate classification (germline): Uncertain significance (1 of 4 stars; one submission).

Allele frequency attached by ClinVar (database versions not stated): gnomAD exomes below 0.00001; TOPMed below 0.00001.
gnomAD v4.1: 1 of 1,557,130 alleles (0.000064%); highest among the groups gnomAD compares: Non-Finnish European, 0.000087%; no homozygotes.

Submission:

GeneDx
Classification: Uncertain significance. Last evaluated: 2022-01-28. Review status: criteria provided, single submitter. Criteria: GeneDx Variant Classification Process June 2021. Collection method: clinical testing. Allele origin: germline. Affected: yes.
Comment: Not observed at significant frequency in large population cohorts (gnomAD); In silico analysis supports that this missense variant does not alter protein structure/function; Has not been previously published as pathogenic or benign to our knowledge

NM_020719.3(PRR12):c.2642A>G (p.Gln881Arg)

Gene: PRR12 (proline rich 12; plus strand). Cytogenetic location: 19q13.33.
Variant type: single nucleotide variant.
Coding change: c.2642A>G on transcript NM_020719.3 (MANE Select); coding-DNA position 2642, A replaced by G.
Protein change: p.Gln881Arg; replaces glutamine 881 with arginine.
Molecular consequence: missense variant.
Genome position (GRCh38, 1-based): chr19:49,596,977, A>G. VCF-style: chr19-49596977-A-G. GRCh37 (hg19) VCF-style: chr19-50100234-A-G.
Other names: short protein forms Q881R.
Identifiers: ClinVar variation 1699568 (VCV001699568.2), dbSNP rs2080775652, ClinGen allele CA406875638.